The following is an entry in ClinVar:

ClinVar aggregate classification (germline): Conflicting classifications of pathogenicity. Review status: criteria provided, conflicting classifications (1 of 4 stars). 5 submissions from 5 submitters: Uncertain significance (1); Likely benign (3). 1 of the submissions does not count toward it. Last evaluated 2025-12-24.

Conditions:
Polymerase proofreading-related adenomatous polyposis. Also called: Polymerase proofreading associated polyposis; Polymerase proofreading–associated polyposis (PPAP). Identifiers: Orphanet 447877, MedGen C5202613, MONDO:0018653.

Allele frequency attached by ClinVar (database versions not stated): TOPMed 0.00005; gnomAD 0.00006.
gnomAD v4.1: 30 of 1,609,642 alleles (0.0019%); highest among the groups gnomAD compares: African/African-American, 0.0094%; no homozygotes.

Submissions (5):

Labcorp Genetics (formerly Invitae), Labcorp
Classification: Likely benign. Last evaluated: 2025-12-24. Review status: criteria provided, single submitter. Criteria: Invitae Variant Classification Sherloc (09022015). Collection method: clinical testing. Allele origin: germline.

Center for Genomic Medicine, Rigshospitalet, Copenhagen University Hospital
Classification: Likely benign. Last evaluated: 2025-03-04. Review status: criteria provided, single submitter. Criteria: ACMG Guidelines, 2015. Collection method: clinical testing. Allele origin: germline.

Institute for Clinical Genetics, University Hospital TU Dresden, University Hospital TU Dresden
Classification: Uncertain significance. Last evaluated: 2021-11-03. Review status: criteria provided, single submitter. Criteria: ACMG Guidelines, 2015. Collection method: clinical testing. Allele origin: germline.

GeneDx
Classification: Likely benign. Last evaluated: 2016-02-25. Review status: criteria provided, single submitter. Criteria: GeneDx Variant Classification (06012015). Collection method: clinical testing. Allele origin: germline. Affected: yes.
Comment: This variant is considered likely benign or benign based on one or more of the following criteria: it is a conservative change, it occurs at a poorly conserved position in the protein, it is predicted to be benign by multiple in silico algorithms, and/or has population frequency not consistent with disease.

Department of Pathology and Laboratory Medicine, Sinai Health System
Classification: Likely benign for Polymerase proofreading-related adenomatous polyposis. Review status: no assertion criteria provided. Collection method: clinical testing. Allele origin: unknown. Affected: yes. Observed: 1 variant allele. Study: The Canadian Open Genetics Repository (COGR). Not counted in ClinVar's aggregate classification.
Comment: The POLE c.2468+12C>T variant was not identified in the literature. The variant was identified in dbSNP (ID: rs776938447) as "With Likely benign allele" and ClinVar (classified as likely benign by GeneDx). The variant was identified in control databases in 7 of 276064 chromosomes at a frequency of 0.00003 (Genome Aggregation Database Feb 27, 2017). The variant was observed in the following populations: African in 1 of 23990 chromosomes (freq: 0.00004), Other in 1 of 6442 chromosomes (freq: 0.0002), European in 3 of 126000 chromosomes (freq: 0.00002), and East Asian in 2 of 18824 chromosomes (freq: 0.0001), while the variant was not observed in the Latino, Ashkenazi Jewish, Finnish, or South Asian populations. The variant occurs outside of the splicing consensus sequence and in silico or computational prediction software programs (SpliceSiteFinder, MaxEntScan, NNSPLICE, GeneSplicer) do not predict a difference in splicing and the nucleotide at this position is not conserved across species. In summary, based on the above information the clinical significance of this variant cannot be determined with certainty at this time although we would lean towards a more benign role for this variant. This variant is classified as likely benign.

NM_006231.4(POLE):c.2468+12C>T

Gene: POLE (DNA polymerase epsilon, catalytic subunit; minus strand). Cytogenetic location: 12q24.33.
Variant type: single nucleotide variant.
Coding change: c.2468+12C>T on transcript NM_006231.4 (MANE Select); 12 bases into the intron after coding-DNA position 2468, C replaced by T.
Molecular consequence: intron variant.
Genome position (GRCh38, 1-based): chr12:132,665,290, G>A on the plus strand (C>T on the coding strand, the complement: POLE is on the minus strand). VCF-style: chr12-132665290-G-A. GRCh37 (hg19) VCF-style: chr12-133241876-G-A.
Identifiers: ClinVar variation 384183 (VCV000384183.14), dbSNP rs776938447, ClinGen allele CA6893553.
Genomic context (GRCh38, chr12:132,665,290, plus strand): 5'-CACCTGAAGCTGCCCTAAACGTGGACTCATCCATTCCTCCCATAAGCCTCTCCCGGGCCC[G>A]GGCCCACCTACCCCTTGCGCATGACATAGCCATAGAAGGAGTTCAGGATGCACTTGTGGG-3'